The following is an entry in ClinVar:

NM_001127511.3(APC):c.-28G>A

Gene: APC (APC regulator of Wnt signaling pathway; plus strand). Cytogenetic location: 5q22.2.
Variant type: single nucleotide variant.
Coding change: c.-28G>A on transcript NM_001127511.3; 28 bases upstream of the start codon, G replaced by A.
Molecular consequence: 5 prime UTR variant. On other transcripts: non-coding transcript variant (1), intron variant (5).
Genome position (GRCh38, 1-based): chr5:112,707,690, G>A. VCF-style: chr5-112707690-G-A. GRCh37 (hg19) VCF-style: chr5-112043387-G-A.
Other names: c.-211G>A (NM_001354895.2, NM_001407447.1, NM_001407452.1 and 3 more transcripts); c.-28G>A (NM_001354897.2, NM_001354902.2, NM_001407446.1); c.-1246G>A (NM_001407470.1, NM_001407472.1); c.-19+41G>A (NM_001407448.1, NM_001407450.1, NM_001407457.1 and 1 more transcripts); c.-43+41G>A (NM_001407453.1).
Identifiers: ClinVar variation 647151 (VCV000647151.7), dbSNP rs1580996638, ClinGen allele CA915943591.

ClinVar aggregate classification (germline): Uncertain significance (1 of 4 stars; one submission).

Conditions:
Familial adenomatous polyposis 1 (FAP1). Also called: FAMILIAL ADENOMATOUS POLYPOSIS 1, ATTENUATED; POLYPOSIS, ADENOMATOUS INTESTINAL. Identifiers: MedGen C2713442, MONDO:0021056, OMIM 175100. Disease mechanism: loss of function.

Submission:

Labcorp Genetics (formerly Invitae), Labcorp
Classification: Uncertain significance for Familial adenomatous polyposis 1. Last evaluated: 2023-08-16. Review status: criteria provided, single submitter. Criteria: Invitae Variant Classification Sherloc (09022015). Collection method: clinical testing. Allele origin: germline.
Comment: In summary, the available evidence is currently insufficient to determine the role of this variant in disease. Therefore, it has been classified as a Variant of Uncertain Significance. Experimental studies and prediction algorithms are not available or were not evaluated, and the functional significance of this variant is currently unknown. ClinVar contains an entry for this variant (Variation ID: 647151). This variant has been observed in individual(s) with colon cancer (Invitae). This variant is not present in population databases (gnomAD no frequency). This variant occurs in a non-coding region of the APC gene. It does not change the encoded amino acid sequence of the APC protein.